The following is an entry in ClinVar:

ClinVar aggregate classification (germline): Likely benign (1 of 4 stars; one submission).

gnomAD v4.1: 465 of 158,904 alleles (0.29%); highest among the groups gnomAD compares: African/African-American, 1%; 2 homozygotes.

Submission:

CeGaT Center for Human Genetics Tuebingen
Classification: Likely benign. Last evaluated: 2025-11-01. Review status: criteria provided, single submitter. Criteria: CeGaT Center For Human Genetics Tuebingen Variant Classification Criteria Version 2. Collection method: clinical testing. Allele origin: germline. Affected: yes. Observed: 1 variant allele.
Comment: KCNQ1OT1: BS1

NM_000218.3(KCNQ1):c.1394-27502G>A

Genes: KCNQ1 (potassium voltage-gated channel subfamily Q member 1; plus strand), KCNQ1OT1 (KCNQ1 opposite strand/antisense transcript 1; minus strand). Cytogenetic location: 11p15.5.
Variant type: single nucleotide variant.
Coding change: c.1394-27502G>A on transcript NM_000218.3 (MANE Select); 27502 bases into the intron before coding-DNA position 1394, G replaced by A.
Molecular consequence: intron variant. On other transcripts: non-coding transcript variant (1).
Genome position (GRCh38, 1-based): chr11:2,634,459, G>A. VCF-style: chr11-2634459-G-A. GRCh37 (hg19) VCF-style: chr11-2655689-G-A.
Other names: c.1124-27502G>A (NM_001406837.1); c.1298-27502G>A (NM_001406836.1); c.854-27502G>A (NM_001406838.1); c.1013-27502G>A (NM_181798.2).
Identifiers: ClinVar variation 4534704 (VCV004534704.6).